The following is an entry in ClinVar:

ClinVar aggregate classification (germline): Uncertain significance. Review status: criteria provided, multiple submitters, no conflicts (2 of 4 stars). 4 submissions from 4 submitters: Uncertain significance (3). 1 of the submissions does not count toward it. Last evaluated 2025-01-23.

Conditions:
Hereditary cancer-predisposing syndrome. Also called: Hereditary Cancer Syndrome; Hereditary neoplastic syndrome; Neoplastic Syndromes, Hereditary; Tumor predisposition. Identifiers: Orphanet 140162, MedGen C0027672, MeSH D009386, MONDO:0015356.
Bloom syndrome (BLM). Also called: Bloom-Torre-Machacek syndrome. Identifiers: Orphanet 125, MedGen C0005859, MONDO:0008876, OMIM 210900.

Allele frequency attached by ClinVar (database versions not stated): gnomAD exomes 0.00001 and 0.00002; ExAC 0.00003; gnomAD 0.00005; TOPMed 0.00012; ESP Exome Variant Server 0.00015.
gnomAD v4.1: 17 of 1,613,410 alleles (0.0011%); highest among the groups gnomAD compares: African/African-American, 0.021%; no homozygotes.

Submissions (4):

Labcorp Genetics (formerly Invitae), Labcorp
Classification: Uncertain significance for Bloom syndrome. Last evaluated: 2025-01-23. Review status: criteria provided, single submitter. Criteria: Invitae Variant Classification Sherloc (09022015). Collection method: clinical testing. Allele origin: germline.
Comment: This sequence change replaces glutamic acid, which is acidic and polar, with lysine, which is basic and polar, at codon 642 of the BLM protein (p.Glu642Lys). This variant is present in population databases (rs201458487, gnomAD 0.03%). This variant has not been reported in the literature in individuals affected with BLM-related conditions. ClinVar contains an entry for this variant (Variation ID: 454090). Invitae Evidence Modeling of protein sequence and biophysical properties (such as structural, functional, and spatial information, amino acid conservation, physicochemical variation, residue mobility, and thermodynamic stability) indicates that this missense variant is not expected to disrupt BLM protein function with a negative predictive value of 80%. In summary, the available evidence is currently insufficient to determine the role of this variant in disease. Therefore, it has been classified as a Variant of Uncertain Significance.

Ambry Genetics
Classification: Uncertain significance for Hereditary cancer-predisposing syndrome. Last evaluated: 2024-02-22. Review status: criteria provided, single submitter. Criteria: Ambry Variant Classification Scheme 2023. Collection method: clinical testing. Allele origin: germline.
Comment: The p.E642K variant (also known as c.1924G>A), located in coding exon 7 of the BLM gene, results from a G to A substitution at nucleotide position 1924. The glutamic acid at codon 642 is replaced by lysine, an amino acid with similar properties. This amino acid position is not well conserved in available vertebrate species. In addition, this alteration is predicted to be tolerated by in silico analysis. Since supporting evidence is limited at this time, the clinical significance of this alteration remains unclear.

Fulgent Genetics
Classification: Uncertain significance for Bloom syndrome. Last evaluated: 2024-01-19. Review status: criteria provided, single submitter. Criteria: ACMG Guidelines, 2015. Collection method: clinical testing. Allele origin: germline.

Natera, Inc.
Classification: Uncertain significance for Bloom syndrome. Last evaluated: 2020-09-16. Review status: no assertion criteria provided. Collection method: clinical testing. Allele origin: germline. Not counted in ClinVar's aggregate classification.

NM_000057.4(BLM):c.1924G>A (p.Glu642Lys)

Gene: BLM (BLM RecQ like helicase; plus strand). Cytogenetic location: 15q26.1.
Variant type: single nucleotide variant.
Coding change: c.1924G>A on transcript NM_000057.4 (MANE Select); coding-DNA position 1924, G replaced by A.
Protein change: p.Glu642Lys; replaces glutamic acid 642 with lysine.
Molecular consequence: missense variant.
Genome position (GRCh38, 1-based): chr15:90,763,007, G>A. VCF-style: chr15-90763007-G-A. GRCh37 (hg19) VCF-style: chr15-91306237-G-A.
Other names: c.1924G>A, p.Glu642Lys (NM_001287246.2, NM_001287247.2); c.799G>A, p.Glu267Lys (NM_001287248.2); short protein forms E642K, E267K.
Identifiers: ClinVar variation 454090 (VCV000454090.14), dbSNP rs201458487, ClinGen allele CA7738616.